The following is an entry in ClinVar:

ClinVar aggregate classification (germline): Uncertain significance (1 of 4 stars; one submission).

Allele frequency attached by ClinVar (database versions not stated): gnomAD exomes below 0.00001; TOPMed below 0.00001; gnomAD 0.00001.
gnomAD v4.1: 7 of 1,596,418 alleles (0.00044%); highest among the groups gnomAD compares: Admixed American, 0.0018%; no homozygotes.

Submission:

Labcorp Genetics (formerly Invitae), Labcorp
Classification: Uncertain significance. Last evaluated: 2022-06-13. Review status: criteria provided, single submitter. Criteria: Invitae Variant Classification Sherloc (09022015). Collection method: clinical testing. Allele origin: germline.
Comment: This sequence change replaces serine, which is neutral and polar, with cysteine, which is neutral and slightly polar, at codon 4 of the SCP2 protein (p.Ser4Cys). The frequency data for this variant in the population databases is considered unreliable, as metrics indicate poor data quality at this position in the gnomAD database. This variant has not been reported in the literature in individuals affected with SCP2-related conditions. Algorithms developed to predict the effect of missense changes on protein structure and function (SIFT, PolyPhen-2, Align-GVGD) all suggest that this variant is likely to be tolerated. In summary, the available evidence is currently insufficient to determine the role of this variant in disease. Therefore, it has been classified as a Variant of Uncertain Significance.

NM_002979.5(SCP2):c.11C>G (p.Ser4Cys)

Gene: SCP2 (sterol carrier protein 2; plus strand). Cytogenetic location: 1p32.3.
Variant type: single nucleotide variant.
Coding change: c.11C>G on transcript NM_002979.5 (MANE Select); coding-DNA position 11, C replaced by G.
Protein change: p.Ser4Cys; replaces serine 4 with cysteine.
Molecular consequence: missense variant. On other transcripts: 5 prime UTR variant (1).
Genome position (GRCh38, 1-based): chr1:52,927,407, C>G. VCF-style: chr1-52927407-C-G. GRCh37 (hg19) VCF-style: chr1-53393079-C-G.
Other names: c.11C>G, p.Ser4Cys (NM_001007098.3, NM_001193599.2, NM_001193600.2 and 1 more transcripts); c.-175C>G (NM_001193617.2); short protein forms S4C.
Identifiers: ClinVar variation 1477615 (VCV001477615.5), dbSNP rs1261053889, ClinGen allele CA340384426.
Genomic context (GRCh38, chr1:52,927,407, plus strand): 5'-GTGCCGGCAGTCGTCCGCGGCGCCCGCCCCGGTCCCGCACTGGTGCAGCCATGTCCTCTT[C>G]CCCGTGGGAGCCTGCGACCCTGCGCCGGGTGTTCGTGGTGGGGGTTGGCATGACCAAGGT-3'
Protein context (NP_002970.2, residues 1-14): MSS[Ser4Cys]PWEPATLRRV